The following is an entry in ClinVar:

NM_001083619.3(GRIA2):c.968G>A (p.Arg323Gln)

Gene: GRIA2 (glutamate ionotropic receptor AMPA type subunit 2; plus strand). Cytogenetic location: 4q32.1.
Variant type: single nucleotide variant.
Coding change: c.968G>A on transcript NM_001083619.3 (MANE Select); coding-DNA position 968, G replaced by A.
Protein change: p.Arg323Gln; replaces arginine 323 with glutamine.
Molecular consequence: missense variant.
Genome position (GRCh38, 1-based): chr4:157,332,904, G>A. VCF-style: chr4-157332904-G-A. GRCh37 (hg19) VCF-style: chr4-158254056-G-A.
Other names: c.968G>A, p.Arg323Gln (NM_000826.6); c.827G>A, p.Arg276Gln (NM_001083620.3, NM_001379000.3, NM_001379001.3); c.968G>A (NM_001083619.1); short protein forms R276Q, R323Q.
Identifiers: ClinVar variation 3055138 (VCV003055138.3), dbSNP rs142538282, ClinGen allele CA3120289.

ClinVar aggregate classification (germline): Likely benign. Review status: criteria provided, single submitter (1 of 4 stars). 2 submissions from 2 submitters: Likely benign (1). 1 of the submissions does not count toward it. Last evaluated 2024-04-29.

Conditions:
Inborn genetic diseases. Identifiers: MedGen C0950123, MeSH D030342.
GRIA2-related disorder. Also called: GRIA2-related condition.

Allele frequency attached by ClinVar (database versions not stated): gnomAD exomes 0.00002; ExAC 0.00006; gnomAD 0.00013; TOPMed 0.00020; ESP Exome Variant Server 0.00023.
gnomAD v4.1: 45 of 1,612,456 alleles (0.0028%); highest among the groups gnomAD compares: African/African-American, 0.045%; no homozygotes.

Submissions (2):

Ambry Genetics
Classification: Likely benign for Inborn genetic diseases. Last evaluated: 2024-04-29. Review status: criteria provided, single submitter. Criteria: Ambry Variant Classification Scheme 2023. Collection method: clinical testing. Allele origin: germline.

PreventionGenetics, part of Exact Sciences
Classification: Likely benign for GRIA2-related condition. Last evaluated: 2022-02-27. Review status: no assertion criteria provided. Collection method: clinical testing. Allele origin: germline. Not counted in ClinVar's aggregate classification.
Comment: This variant is classified as likely benign based on ACMG/AMP sequence variant interpretation guidelines (Richards et al. 2015 PMID: 25741868, with internal and published modifications).